The following is an entry in ClinVar:

ClinVar aggregate classification (germline): Likely benign. Review status: criteria provided, multiple submitters, no conflicts (2 of 4 stars). 2 submissions from 2 submitters: Likely benign (2). Last evaluated 2026-07-08.

Conditions:
Rhabdoid tumor predisposition syndrome 2 (RTPS2). Identifiers: Orphanet 231108, Orphanet 69077, MedGen C2750074, MONDO:0013224, OMIM 613325.

Allele frequency attached by ClinVar (database versions not stated): TOPMed 0.00001; gnomAD exomes 0.00003 and 0.00002; gnomAD 0.00001; ExAC 0.00001.
gnomAD v4.1: 44 of 1,606,234 alleles (0.0027%); highest among the groups gnomAD compares: South Asian, 0.0033%; no homozygotes.

Submissions (2):

Myriad Genetics, Inc.
Classification: Likely benign for Rhabdoid tumor predisposition syndrome 2. Last evaluated: 2026-07-08. Review status: criteria provided, single submitter. Criteria: Myriad Autosomal Dominant, Autosomal Recessive and X-Linked Classification Criteria (2023). Collection method: clinical testing. Allele origin: unknown.
Comment: This variant is considered likely benign. This variant is intronic and is not expected to impact mRNA splicing.

Labcorp Genetics (formerly Invitae), Labcorp
Classification: Likely benign for Rhabdoid tumor predisposition syndrome 2. Last evaluated: 2026-01-28. Review status: criteria provided, single submitter. Criteria: Invitae Variant Classification Sherloc (09022015). Collection method: clinical testing. Allele origin: germline.

NM_003072.5(SMARCA4):c.4534-12C>T

Gene: SMARCA4 (SWI/SNF related BAF chromatin remodeling complex subunit ATPase 4; plus strand). Cytogenetic location: 19p13.2.
Variant type: single nucleotide variant.
Coding change: c.4534-12C>T on transcript NM_003072.5 (MANE Select); 12 bases into the intron before coding-DNA position 4534, C replaced by T.
Molecular consequence: intron variant.
Genome position (GRCh38, 1-based): chr19:11,058,776, C>T. VCF-style: chr19-11058776-C-T. GRCh37 (hg19) VCF-style: chr19-11169452-C-T.
Other names: c.4534-12C>T (NM_001128844.3); c.4630-12C>T (NM_001128849.3, NM_001387283.1); c.4435-12C>T (NM_001128847.4, NM_001374457.1); c.4444-12C>T (NM_001128845.2); c.4441-12C>T (NM_001128846.2); c.4432-12C>T (NM_001128848.2).
Identifiers: ClinVar variation 1611398 (VCV001611398.9), dbSNP rs763623884, ClinGen allele CA9204794.